The following is an entry in ClinVar:

NM_001013838.3(CARMIL2):c.266A>T (p.Glu89Val)

Gene: CARMIL2 (capping protein regulator and myosin 1 linker 2; plus strand). Cytogenetic location: 16q22.1.
Variant type: single nucleotide variant.
Coding change: c.266A>T on transcript NM_001013838.3 (MANE Select); coding-DNA position 266, A replaced by T.
Protein change: p.Glu89Val; replaces glutamic acid 89 with valine.
Molecular consequence: missense variant.
Genome position (GRCh38, 1-based): chr16:67,646,202, A>T. VCF-style: chr16-67646202-A-T. GRCh37 (hg19) VCF-style: chr16-67680105-A-T.
Other names: c.266A>T, p.Glu89Val (NM_001317026.3); short protein forms E89V.
Identifiers: ClinVar variation 2122669 (VCV002122669.4), dbSNP rs1031703523, ClinGen allele CA283201024.
Genomic context (GRCh38, chr16:67,646,202, plus strand): 5'-GCGCCCATGTGTGGAGCCGAGGCCTAGTAGTGCCCCTTCCCTAGGTCACCTTTGAGCTGG[A>T]GTCCCTGCGTGAGCTGGTCCTGGAGTTTCCTGGTGTGGCCGCCCTGGAACAGCTGGCCCA-3'
Protein context (NP_001013860.1, residues 79-99): ETPPQVTFEL[Glu89Val]SLRELVLEFP

ClinVar aggregate classification (germline): Uncertain significance (1 of 4 stars; one submission).

Allele frequency attached by ClinVar (database versions not stated): gnomAD 0.00002; TOPMed 0.00002.
gnomAD v4.1: 4 of 1,613,684 alleles (0.00025%); highest among the groups gnomAD compares: African/African-American, 0.004%; no homozygotes.

Submission:

Labcorp Genetics (formerly Invitae), Labcorp
Classification: Uncertain significance. Last evaluated: 2022-04-07. Review status: criteria provided, single submitter. Criteria: Invitae Variant Classification Sherloc (09022015). Collection method: clinical testing. Allele origin: germline.
Comment: Algorithms developed to predict the effect of missense changes on protein structure and function are either unavailable or do not agree on the potential impact of this missense change (SIFT: "Deleterious"; PolyPhen-2: "Possibly Damaging"; Align-GVGD: "Class C0"). This variant has not been reported in the literature in individuals affected with CARMIL2-related conditions. This variant is not present in population databases (gnomAD no frequency). This sequence change replaces glutamic acid, which is acidic and polar, with valine, which is neutral and non-polar, at codon 89 of the CARMIL2 protein (p.Glu89Val). In summary, the available evidence is currently insufficient to determine the role of this variant in disease. Therefore, it has been classified as a Variant of Uncertain Significance.